The following is an entry in ClinVar:

ClinVar aggregate classification (germline): Uncertain significance. Review status: criteria provided, multiple submitters, no conflicts (2 of 4 stars). 2 submissions from 2 submitters: Uncertain significance (2). Last evaluated 2023-03-12.

gnomAD v4.1: 2 of 1,564,218 alleles (0.00013%); highest among the groups gnomAD compares: Non-Finnish European, 0.000086%; no homozygotes.

Submissions (2):

Labcorp Genetics (formerly Invitae), Labcorp
Classification: Uncertain significance. Last evaluated: 2023-03-12. Review status: criteria provided, single submitter. Criteria: Invitae Variant Classification Sherloc (09022015). Collection method: clinical testing. Allele origin: germline.
Comment: In summary, the available evidence is currently insufficient to determine the role of this variant in disease. Therefore, it has been classified as a Variant of Uncertain Significance. An algorithm developed to predict the effect of missense changes on protein structure and function (PolyPhen-2) suggests that this variant is likely to be disruptive. ClinVar contains an entry for this variant (Variation ID: 1308009). This variant has not been reported in the literature in individuals affected with HSPG2-related conditions. The frequency data for this variant in the population databases is considered unreliable, as metrics indicate poor data quality at this position in the gnomAD database. This sequence change replaces aspartic acid, which is acidic and polar, with tyrosine, which is neutral and polar, at codon 1472 of the HSPG2 protein (p.Asp1472Tyr).

GeneDx
Classification: Uncertain significance. Last evaluated: 2019-08-13. Review status: criteria provided, single submitter. Criteria: GeneDx Variant Classification Process June 2021. Collection method: clinical testing. Allele origin: germline. Affected: yes.
Comment: In silico analysis, which includes protein predictors and evolutionary conservation, supports a deleterious effect; Has not been previously published as pathogenic or benign to our knowledge

NM_005529.7(HSPG2):c.4414G>T (p.Asp1472Tyr)

Gene: HSPG2 (heparan sulfate proteoglycan 2; minus strand). Cytogenetic location: 1p36.12.
Variant type: single nucleotide variant.
Coding change: c.4414G>T on transcript NM_005529.7 (MANE Select); coding-DNA position 4414, G replaced by T.
Protein change: p.Asp1472Tyr; replaces aspartic acid 1472 with tyrosine.
Molecular consequence: missense variant.
Genome position (GRCh38, 1-based): chr1:21,865,055, C>A on the plus strand (G>T on the coding strand, the complement: HSPG2 is on the minus strand). VCF-style: chr1-21865055-C-A. GRCh37 (hg19) VCF-style: chr1-22191548-C-A.
Other names: c.4417G>T, p.Asp1473Tyr (NM_001291860.2); short protein forms D1472Y, D1473Y.
Identifiers: ClinVar variation 1308009 (VCV001308009.5), dbSNP rs776806867, ClinGen allele CA338955404.
Genomic context (GRCh38, chr1:21,865,055, plus strand): 5'-GGAGCTCATCCAGGTCGGCCAGTGCCATCAGGAGGTGCTCGCGTGTGGCCGGCTGCCCAT[C>A]GGGCCGGCGCCAGAATTCCTGGGTTGGGGGTGGCAACGTGGGCGGGGGCAGTGGGCTTTG-3'
Protein context (NP_005520.4, residues 1462-1482): MFREEFWRRP[Asp1472Tyr]GQPATREHLL